The following is an entry in ClinVar:

NM_000890.5(KCNJ5):c.590C>T (p.Ala197Val)

Gene: KCNJ5 (potassium inwardly rectifying channel subfamily J member 5; plus strand). Cytogenetic location: 11q24.3.
Variant type: single nucleotide variant.
Coding change: c.590C>T on transcript NM_000890.5 (MANE Select); coding-DNA position 590, C replaced by T.
Protein change: p.Ala197Val; replaces alanine 197 with valine.
Molecular consequence: missense variant.
Genome position (GRCh38, 1-based): chr11:128,911,863, C>T. VCF-style: chr11-128911863-C-T. GRCh37 (hg19) VCF-style: chr11-128781758-C-T.
Other names: c.590C>T, p.Ala197Val (NM_001354169.2); c.590C>T (NM_000890.3); short protein forms A197V.
Identifiers: ClinVar variation 1443642 (VCV001443642.7), dbSNP rs1389181295, ClinGen allele CA383249223.
Genomic context (GRCh38, chr11:128,911,863, plus strand): 5'-TCGTCAATGCCTTCATGGTGGGGTGCATGTTTGTCAAGATCAGCCAGCCCAAGAAGAGAG[C>T]GGAGACCCTCATGTTTTCCAACAACGCAGTCATCTCCATGCGGGACGAGAAGCTGTGCCT-3'
Protein context (NP_000881.3, residues 187-207): FVKISQPKKR[Ala197Val]ETLMFSNNAV

ClinVar aggregate classification (germline): Uncertain significance. Review status: criteria provided, multiple submitters, no conflicts (2 of 4 stars). 3 submissions from 3 submitters: Uncertain significance (3). Last evaluated 2023-12-17.

Conditions:
Long QT syndrome (LQTS). Identifiers: MedGen C0023976, MeSH D008133, MONDO:0002442. Disease mechanism: loss of function. Inheritance: Various modes of inheritance.
Cardiovascular phenotype. Identifiers: MedGen CN230736.

Allele frequency attached by ClinVar (database versions not stated): gnomAD 0.00001; gnomAD exomes 0.00001; TOPMed 0.00001.

Submissions (3):

Women's Health and Genetics/Laboratory Corporation of America, LabCorp
Classification: Uncertain significance. Last evaluated: 2023-12-17. Review status: criteria provided, single submitter. Criteria: LabCorp Variant Classification Summary - May 2015. Collection method: clinical testing. Allele origin: germline.

Ambry Genetics
Classification: Uncertain significance for Cardiovascular phenotype. Last evaluated: 2023-03-27. Review status: criteria provided, single submitter. Criteria: Ambry Variant Classification Scheme 2023. Collection method: clinical testing. Allele origin: germline.
Comment: The p.A197V variant (also known as c.590C>T), located in coding exon 1 of the KCNJ5 gene, results from a C to T substitution at nucleotide position 590. The alanine at codon 197 is replaced by valine, an amino acid with similar properties. This amino acid position is highly conserved in available vertebrate species. In addition, this alteration is predicted to be deleterious by in silico analysis. Since supporting evidence is limited at this time, the clinical significance of this alteration remains unclear.

Labcorp Genetics (formerly Invitae), Labcorp
Classification: Uncertain significance for Long QT syndrome. Last evaluated: 2021-08-27. Review status: criteria provided, single submitter. Criteria: Invitae Variant Classification Sherloc (09022015). Collection method: clinical testing. Allele origin: germline.
Comment: This sequence change replaces alanine with valine at codon 197 of the KCNJ5 protein (p.Ala197Val). The alanine residue is highly conserved and there is a small physicochemical difference between alanine and valine. This variant is not present in population databases (ExAC no frequency). This variant has not been reported in the literature in individuals affected with KCNJ5-related conditions. Advanced modeling of protein sequence and biophysical properties (such as structural, functional, and spatial information, amino acid conservation, physicochemical variation, residue mobility, and thermodynamic stability) performed at Invitae indicates that this missense variant is expected to disrupt KCNJ5 protein function. In summary, the available evidence is currently insufficient to determine the role of this variant in disease. Therefore, it has been classified as a Variant of Uncertain Significance.